The following is an entry in ClinVar:

ClinVar aggregate classification (germline): Uncertain significance (1 of 4 stars; one submission).

Conditions:
Bailey-Bloch congenital myopathy (CMYO13). Also called: Congenital myopathy 13; STAC3 disorder; Native American myopathy. Identifiers: Orphanet 168572, MedGen C1850625, MONDO:0009722, OMIM 255995.

Allele frequency attached by ClinVar (database versions not stated): gnomAD exomes below 0.00001 and 0.00002; ExAC 0.00001; gnomAD 0.00001; TOPMed 0.00002; ESP Exome Variant Server 0.00008.
gnomAD v4.1: 23 of 1,611,402 alleles (0.0014%); highest among the groups gnomAD compares: Non-Finnish European, 0.002%; no homozygotes.

Submission:

Labcorp Genetics (formerly Invitae), Labcorp
Classification: Uncertain significance for Bailey-Bloch congenital myopathy. Last evaluated: 2023-10-10. Review status: criteria provided, single submitter. Criteria: Invitae Variant Classification Sherloc (09022015). Collection method: clinical testing. Allele origin: germline.
Comment: This sequence change replaces aspartic acid, which is acidic and polar, with asparagine, which is neutral and polar, at codon 94 of the STAC3 protein (p.Asp94Asn). This variant is present in population databases (rs368386121, gnomAD 0.002%). This variant has not been reported in the literature in individuals affected with STAC3-related conditions. ClinVar contains an entry for this variant (Variation ID: 649373). Advanced modeling of protein sequence and biophysical properties (such as structural, functional, and spatial information, amino acid conservation, physicochemical variation, residue mobility, and thermodynamic stability) has been performed at Invitae for this missense variant, however the output from this modeling did not meet the statistical confidence thresholds required to predict the impact of this variant on STAC3 protein function. In summary, the available evidence is currently insufficient to determine the role of this variant in disease. Therefore, it has been classified as a Variant of Uncertain Significance.

NM_145064.3(STAC3):c.280G>A (p.Asp94Asn)

Gene: STAC3 (SH3 and cysteine rich domain 3; minus strand). Cytogenetic location: 12q13.3.
Variant type: single nucleotide variant.
Coding change: c.280G>A on transcript NM_145064.3 (MANE Select); coding-DNA position 280, G replaced by A.
Protein change: p.Asp94Asn; replaces aspartic acid 94 with asparagine.
Molecular consequence: missense variant. On other transcripts: intron variant (1).
Genome position (GRCh38, 1-based): chr12:57,249,095, C>T on the plus strand (G>A on the coding strand, the complement: STAC3 is on the minus strand). VCF-style: chr12-57249095-C-T. GRCh37 (hg19) VCF-style: chr12-57642878-C-T.
Other names: c.163G>A, p.Asp55Asn (NM_001286256.2); c.-126-897G>A (NM_001286257.2); short protein forms D55N, D94N.
Identifiers: ClinVar variation 649373 (VCV000649373.7), dbSNP rs368386121, ClinGen allele CA6647207.